The following is an entry in ClinVar:

NM_000388.4(CASR):c.2458T>C (p.Ser820Pro)

Gene: CASR (calcium sensing receptor; plus strand). Cytogenetic location: 3q21.1.
Variant type: single nucleotide variant.
Coding change: c.2458T>C on transcript NM_000388.4 (MANE Select); coding-DNA position 2458, T replaced by C.
Protein change: p.Ser820Pro; replaces serine 820 with proline.
Molecular consequence: missense variant.
Genome position (GRCh38, 1-based): chr3:122,284,412, T>C. VCF-style: chr3-122284412-T-C. GRCh37 (hg19) VCF-style: chr3-122003259-T-C.
Other names: c.2488T>C, p.Ser830Pro (NM_001178065.2); short protein forms S830P, S820P.
Identifiers: ClinVar variation 4784317 (VCV004784317.1).

ClinVar aggregate classification (germline): Uncertain significance (1 of 4 stars; one submission).

Conditions:
Autosomal dominant hypocalcemia 1 (HYPOC1). Also called: HYPOCALCEMIA, FAMILIAL. Identifiers: MedGen C3715128, MONDO:0011013, OMIM 601198.
Familial hypocalciuric hypercalcemia (FHH). Also called: Familial benign hypercalcemia. Identifiers: Orphanet 405, MedGen C1809471, MONDO:0018458.

Submission:

Labcorp Genetics (formerly Invitae), Labcorp
Classification: Uncertain significance for Familial hypocalciuric hypercalcemia; Autosomal dominant hypocalcemia 1. Last evaluated: 2025-03-02. Review status: criteria provided, single submitter. Criteria: Invitae Variant Classification Sherloc (09022015). Collection method: clinical testing. Allele origin: germline.
Comment: This sequence change replaces serine, which is neutral and polar, with proline, which is neutral and non-polar, at codon 820 of the CASR protein (p.Ser820Pro). This variant is not present in population databases (gnomAD no frequency). This variant has not been reported in the literature in individuals affected with CASR-related conditions. An algorithm developed to predict the effect of missense changes on protein structure and function (PolyPhen-2) suggests that this variant is likely to be disruptive. In summary, the available evidence is currently insufficient to determine the role of this variant in disease. Therefore, it has been classified as a Variant of Uncertain Significance.